The following is an entry in ClinVar:

Conditions:
Arteriohepatic dysplasia. Also called: Alagille Syndrome. Identifiers: Orphanet 52, MedGen C0085280, MeSH D016738, MONDO:0007318.

Submission:

Gilbert/Spinner Lab, Children's Hospital of Philadelphia
No classification provided (evidence only). Condition: Alagille syndrome. Review status: no classification provided. Collection method: research. Allele origin: not applicable. Functional consequence: functionally_abnormal.
ClinVar note: "not provided" was previously submitted as the classification for the variant. However, the classification appeared to be based only on an observation of functional data so it was converted to no classification on 2025-07-30.

NM_000214.3(JAG1):c.731C>A (p.Ser244Tyr)

Gene: JAG1 (jagged canonical Notch ligand 1; minus strand). Cytogenetic location: 20p12.2.
Variant type: single nucleotide variant.
Coding change: c.731C>A on transcript NM_000214.3 (MANE Select); coding-DNA position 731, C replaced by A.
Protein change: p.Ser244Tyr; replaces serine 244 with tyrosine.
Molecular consequence: missense variant.
Genome position (GRCh38, 1-based): chr20:10,656,422, G>T on the plus strand (C>A on the coding strand, the complement: JAG1 is on the minus strand). VCF-style: chr20-10656422-G-T. GRCh37 (hg19) VCF-style: chr20-10637070-G-T.
Other names: short protein forms S244Y.
Identifiers: ClinVar variation 3573358 (VCV003573358.2).
Genomic context (GRCh38, chr20:10,656,422, plus strand): 5'-ATTAAAAGAAATCTCACAAAAGACCAGTTGATTTACCTGCAGTCACCTGGGAGTTTGCAA[G>T]ACCCATGCTTAGGACTGCAGCCTTGTCGGCAAATAGCTGTAAAAAACAGAGAAGGGCGTG-3'
Protein context (NP_000205.1, residues 234-254): CRQGCSPKHG[Ser244Tyr]CKLPGDCRCQ